The following is an entry in ClinVar:

ClinVar aggregate classification (germline): Uncertain significance (1 of 4 stars; one submission).

Submission:

Women's Health and Genetics/Laboratory Corporation of America, LabCorp
Classification: Uncertain significance. Last evaluated: 2023-08-30. Review status: criteria provided, single submitter. Criteria: LabCorp Variant Classification Summary - May 2015. Collection method: clinical testing. Allele origin: germline.
Comment: Variant summary: KIAA1267 c.1290-3dupT alters a conserved nucleotide located close to a canonical splice site and therefore could affect mRNA splicing, leading to a significantly altered protein sequence. Consensus agreement among computation tools predict no significant impact on normal splicing. However, these predictions have yet to be confirmed by functional studies. The variant allele was found at a frequency of 4e-06 in 251196 control chromosomes (gnomAD). The available data on variant occurrences in the general population are insufficient to allow any conclusion about variant significance. To our knowledge, no occurrence of c.1290-3dupT in individuals affected with Koolen-De Vries Syndrome and no experimental evidence demonstrating its impact on protein function have been reported. No submitters have cited clinical-significance assessments for this variant to ClinVar after 2014. Based on the evidence outlined above, the variant was classified as uncertain significance.

NM_015443.4(KANSL1):c.1290-3dup

Gene: KANSL1 (KAT8 regulatory NSL complex subunit 1). Cytogenetic location: 17q21.31.
Variant type: Duplication.
Coding change: c.1290-3dup on transcript NM_015443.4 (MANE Select); 3 bases into the intron before coding-DNA position 1290, one base duplicated.
Molecular consequence: intron variant.
Genome position: GRCh38 VCF-style: chr17-46094703-T-TA. GRCh37 (hg19) VCF-style: chr17-44172069-T-TA.
Other names: c.24-3dup (NM_001405885.1, NM_001405884.1, NM_001405883.1 and 1 more transcripts); c.1290-3dup (NM_001405881.1, NM_001405861.1, NM_001405859.1 and 18 more transcripts).
Identifiers: ClinVar variation 2581452 (VCV002581452.1), dbSNP rs1459158836, ClinGen allele CA626339115.